The following is an entry in ClinVar:

NM_000387.6(SLC25A20):c.226G>C (p.Ala76Pro)

Gene: SLC25A20 (solute carrier family 25 member 20; minus strand). Cytogenetic location: 3p21.31.
Variant type: single nucleotide variant.
Coding change: c.226G>C on transcript NM_000387.6 (MANE Select); coding-DNA position 226, G replaced by C.
Protein change: p.Ala76Pro; replaces alanine 76 with proline.
Molecular consequence: missense variant.
Genome position (GRCh38, 1-based): chr3:48,884,097, C>G on the plus strand (G>C on the coding strand, the complement: SLC25A20 is on the minus strand). VCF-style: chr3-48884097-C-G. GRCh37 (hg19) VCF-style: chr3-48921530-C-G.
Other names: short protein forms A76P.
Identifiers: ClinVar variation 651841 (VCV000651841.53), dbSNP rs150516570, ClinGen allele CA2387454.

ClinVar aggregate classification (germline): Uncertain significance. Review status: criteria provided, multiple submitters, no conflicts (2 of 4 stars). 5 submissions from 5 submitters: Uncertain significance (5). Last evaluated 2025-05-08.

Conditions:
Carnitine acylcarnitine translocase deficiency (CACTD). Identifiers: Orphanet 159, MedGen C0342791, MONDO:0008918, OMIM 212138.
SLC25A20-related disorder. Also called: SLC25A20-related condition.

Allele frequency attached by ClinVar (database versions not stated): gnomAD 0.00040 and 0.00042; TOPMed 0.00041; gnomAD exomes 0.00004 and 0.00010; ExAC 0.00016; 1000 Genomes Project 0.00020; ESP Exome Variant Server 0.00046; 1000 Genomes Project 30x 0.00047.

Submissions (5):

PreventionGenetics, part of Exact Sciences
Classification: Uncertain significance for SLC25A20-related condition. Last evaluated: 2025-05-08. Review status: criteria provided, single submitter. Criteria: ACMG Guidelines, 2015. Collection method: clinical testing. Allele origin: germline.
Comment: The SLC25A20 c.226G>C variant is predicted to result in the amino acid substitution p.Ala76Pro. To our knowledge, this variant has not been reported in the literature. This variant is reported in 0.14% of alleles in individuals of African descent in gnomAD. Although we suspect that this variant may be benign, at this time, the clinical significance of this variant is uncertain due to the absence of conclusive functional and genetic evidence.

Labcorp Genetics (formerly Invitae), Labcorp
Classification: Uncertain significance for Carnitine acylcarnitine translocase deficiency. Last evaluated: 2022-08-20. Review status: criteria provided, single submitter. Criteria: Invitae Variant Classification Sherloc (09022015). Collection method: clinical testing. Allele origin: germline.
Comment: This sequence change replaces alanine, which is neutral and non-polar, with proline, which is neutral and non-polar, at codon 76 of the SLC25A20 protein (p.Ala76Pro). This variant is present in population databases (rs150516570, gnomAD 0.1%). This variant has not been reported in the literature in individuals affected with SLC25A20-related conditions. ClinVar contains an entry for this variant (Variation ID: 651841). Algorithms developed to predict the effect of missense changes on protein structure and function are either unavailable or do not agree on the potential impact of this missense change (SIFT: "Deleterious"; PolyPhen-2: "Possibly Damaging"; Align-GVGD: "Class C0"). In summary, the available evidence is currently insufficient to determine the role of this variant in disease. Therefore, it has been classified as a Variant of Uncertain Significance.

Revvity Omics, Revvity
Classification: Uncertain significance for Carnitine acylcarnitine translocase deficiency. Last evaluated: 2020-03-13. Review status: criteria provided, single submitter. Criteria: ACMG Guidelines, 2015. Collection method: clinical testing. Allele origin: germline.

Mayo Clinic Laboratories, Mayo Clinic
Classification: Uncertain significance. Last evaluated: 2019-07-22. Review status: criteria provided, single submitter. Criteria: ACMG Guidelines, 2015. Collection method: clinical testing. Allele origin: germline. Observed: 1 variant allele.

CeGaT Center for Human Genetics Tuebingen
Classification: Uncertain significance. Last evaluated: 2018-05-01. Review status: criteria provided, single submitter. Criteria: CeGaT Center For Human Genetics Tuebingen Variant Classification Criteria Version 2. Collection method: clinical testing. Allele origin: germline. Affected: yes. Observed: 1 variant allele.